The following is an entry in ClinVar:

ClinVar aggregate classification (germline): Pathogenic/Likely pathogenic. Review status: criteria provided, multiple submitters, no conflicts (2 of 4 stars). 3 submissions from 3 submitters: Pathogenic (2); Likely pathogenic (1). Last evaluated 2024-02-24.

Conditions:
Retinitis pigmentosa 38 (RP38). Also called: ROD-CONE DYSTROPHY, CHILDHOOD-ONSET. Identifiers: Orphanet 791, MedGen C3151228, MONDO:0013469, OMIM 613862.
MERTK-related disorder. Also called: MERTK-related condition.

Allele frequency attached by ClinVar (database versions not stated): gnomAD exomes below 0.00001.
gnomAD v4.1: 2 of 1,614,218 alleles (0.00012%); highest among the groups gnomAD compares: Non-Finnish European, 0.00017%; no homozygotes.

Submissions (3):

Labcorp Genetics (formerly Invitae), Labcorp
Classification: Pathogenic. Last evaluated: 2024-02-24. Review status: criteria provided, single submitter. Criteria: Invitae Variant Classification Sherloc (09022015). Collection method: clinical testing. Allele origin: germline.
Comment: This sequence change creates a premature translational stop signal (p.Glu364*) in the MERTK gene. It is expected to result in an absent or disrupted protein product. Loss-of-function variants in MERTK are known to be pathogenic (PMID: 24265693, 29659094). This variant is not present in population databases (gnomAD no frequency). This variant has not been reported in the literature in individuals affected with MERTK-related conditions. ClinVar contains an entry for this variant (Variation ID: 1065647). Algorithms developed to predict the effect of sequence changes on RNA splicing suggest that this variant may disrupt the consensus splice site. For these reasons, this variant has been classified as Pathogenic.

Blueprint Genetics
Classification: Likely pathogenic for MERTK-related disorders. Last evaluated: 2021-08-23. Review status: criteria provided, single submitter. Criteria: ACMG Guidelines, 2015. Collection method: clinical testing. Allele origin: germline. Affected: yes. Observed: 1 variant allele.

Ocular Genomics Institute, Massachusetts Eye and Ear
Classification: Pathogenic for Retinitis pigmentosa 38. Last evaluated: 2021-04-08. Review status: criteria provided, single submitter. Criteria: ACMG Guidelines, 2015. Collection method: research. Allele origin: germline. Affected: yes.
Comment: Through a review of available evidence we were able to apply the following criteria: PVS1, PM2, PM3. Based on this evidence we have classified this variant as Pathogenic.

Literature cited by the submitters: PubMed 24265693 (cited by Labcorp Genetics (formerly Invitae), Labcorp); PubMed 29659094 (cited by Labcorp Genetics (formerly Invitae), Labcorp).

NM_006343.3(MERTK):c.1090G>T (p.Glu364Ter)

Genes: MERTK (MER proto-oncogene, tyrosine kinase; plus strand), LOC112806037 (Sharpr-MPRA regulatory region 3720; plus strand). Cytogenetic location: 2q13.
Variant type: single nucleotide variant.
Coding change: c.1090G>T on transcript NM_006343.3 (MANE Select); coding-DNA position 1090, G replaced by T.
Protein change: p.Glu364Ter; replaces glutamic acid 364 with a stop codon.
Molecular consequence: nonsense.
Genome position (GRCh38, 1-based): chr2:111,975,418, G>T. VCF-style: chr2-111975418-G-T. GRCh37 (hg19) VCF-style: chr2-112732995-G-T.
Other names: short protein forms E364*.
Identifiers: ClinVar variation 1065647 (VCV001065647.7), dbSNP rs868566811, ClinGen allele CA348233673.